The following is an entry in ClinVar:

NM_019077.3(UGT1A7):c.262C>T (p.Arg88Trp)

Genes: UGT1A (UDP glucuronosyltransferase family 1 member A complex locus; plus strand), UGT1A10 (UDP glucuronosyltransferase family 1 member A10; plus strand), UGT1A7 (UDP glucuronosyltransferase family 1 member A7; plus strand), UGT1A8 (UDP glucuronosyltransferase family 1 member A8; plus strand), UGT1A9 (UDP glucuronosyltransferase family 1 member A9; plus strand). Cytogenetic location: 2q37.1.
Variant type: single nucleotide variant.
Coding change: c.262C>T on transcript NM_019077.3 (MANE Select); coding-DNA position 262, C replaced by T.
Protein change: p.Arg88Trp; replaces arginine 88 with tryptophan.
Molecular consequence: missense variant. On other transcripts: intron variant (3).
Genome position (GRCh38, 1-based): chr2:233,682,199, C>T. VCF-style: chr2-233682199-C-T. GRCh37 (hg19) VCF-style: chr2-234590845-C-T.
Other names: c.855+63637C>T (NM_019076.5); c.855+44822C>T (NM_019075.4); c.855+9410C>T (NM_021027.3); short protein forms R88W.
Identifiers: ClinVar variation 993651 (VCV000993651.9), dbSNP rs151080578, ClinGen allele CA2178229.

ClinVar aggregate classification (germline): Uncertain significance (1 of 4 stars; one submission).

Allele frequency attached by ClinVar (database versions not stated): gnomAD 0.00038 and 0.00040; 1000 Genomes Project 30x 0.00016; 1000 Genomes Project 0.00020; ESP Exome Variant Server 0.00023; ExAC 0.00017; TOPMed 0.00036.
gnomAD v4.1: 109 of 1,614,150 alleles (0.0068%); highest among the groups gnomAD compares: African/African-American, 0.13%; no homozygotes.

Submission:

ARUP Laboratories, Molecular Genetics and Genomics, ARUP Laboratories
Classification: Uncertain significance. Last evaluated: 2025-03-14. Review status: criteria provided, single submitter. Criteria: ARUP Molecular Germline Variant Investigation Process 2024. Collection method: clinical testing. Allele origin: germline.
Comment: The UGT1A7 c.262C>T; p.Arg88Trp variant (rs151080578), to our knowledge, is not reported in the medical literature or gene specific databases. This variant is found predominantly in the African/African American population with an allele frequency of 0.14% (36/24968 alleles) in the Genome Aggregation Database (v2.1.1). Computational analyses predict that this variant is neutral (REVEL: 0.145). However, given the lack of clinical and functional data, the significance of this variant is uncertain at this time.